The following is an entry in ClinVar:

ClinVar aggregate classification (germline): Uncertain significance. Review status: criteria provided, multiple submitters, no conflicts (2 of 4 stars). 7 submissions from 7 submitters: Uncertain significance (7). Last evaluated 2026-08-19.

Conditions:
Charcot-Marie-Tooth disease type 4. Also called: Charcot-Marie-Tooth, Type 4; Charcot-Marie-Tooth disease, type IV. Identifiers: Orphanet 64749, MedGen C4082197, MONDO:0018995.
PRX-related disorder. Also called: PRX-related condition; PRX-Related Disorders.
Inborn genetic diseases. Identifiers: MedGen C0950123, MeSH D030342.
Charcot-Marie-Tooth disease type 4F. Also called: Charcot-Marie-Tooth disease, demyelinating, type 4F. Identifiers: Orphanet 99952, MedGen C3540453, MONDO:0013959, OMIM 614895.

Allele frequency attached by ClinVar (database versions not stated): ExAC 0.00002; gnomAD exomes 0.00002 and 0.00005; gnomAD 0.00004; TOPMed 0.00004; ESP Exome Variant Server 0.00008.
gnomAD v4.1: 72 of 1,613,864 alleles (0.0045%); highest among the groups gnomAD compares: South Asian, 0.0055%; no homozygotes.

Submissions (7):

PreventionGenetics, part of Exact Sciences
Classification: Uncertain significance for PRX-related condition. Last evaluated: 2026-08-19. Review status: criteria provided, single submitter. Criteria: ACMG Guidelines, 2015. Collection method: clinical testing. Allele origin: germline.
Comment: The PRX c.2620G>A variant is predicted to result in the amino acid substitution p.Ala874Thr. To our knowledge, this variant has not been reported in the literature. This variant is reported in 0.0082% of alleles in individuals of African descent in gnomAD. At this time, the clinical significance of this variant is uncertain due to the absence of conclusive functional and genetic evidence.

GeneDx
Classification: Uncertain significance. Last evaluated: 2025-12-22. Review status: criteria provided, single submitter. Criteria: GeneDx Variant Classification Process June 2021. Collection method: clinical testing. Allele origin: germline.
Comment: Not observed at significant frequency in large population cohorts (gnomAD); In silico analysis suggests that this missense variant does not alter protein structure/function; Has not been previously published as pathogenic or benign to our knowledge

Labcorp Genetics (formerly Invitae), Labcorp
Classification: Uncertain significance for Charcot-Marie-Tooth disease type 4. Last evaluated: 2024-05-11. Review status: criteria provided, single submitter. Criteria: Invitae Variant Classification Sherloc (09022015). Collection method: clinical testing. Allele origin: germline.
Comment: This sequence change replaces alanine, which is neutral and non-polar, with threonine, which is neutral and polar, at codon 874 of the PRX protein (p.Ala874Thr). This variant is present in population databases (rs145790961, gnomAD 0.008%). This variant has not been reported in the literature in individuals affected with PRX-related conditions. ClinVar contains an entry for this variant (Variation ID: 329265). Advanced modeling of protein sequence and biophysical properties (such as structural, functional, and spatial information, amino acid conservation, physicochemical variation, residue mobility, and thermodynamic stability) performed at Invitae indicates that this missense variant is not expected to disrupt PRX protein function with a negative predictive value of 80%. In summary, the available evidence is currently insufficient to determine the role of this variant in disease. Therefore, it has been classified as a Variant of Uncertain Significance.

Athena Diagnostics
Classification: Uncertain significance. Last evaluated: 2022-12-14. Review status: criteria provided, single submitter. Criteria: Athena Diagnostics Criteria. Collection method: clinical testing. Allele origin: unknown.
Comment: Available data are insufficient to determine the clinical significance of the variant at this time. The frequency of this variant in the general population is uninformative in assessment of its pathogenicity. Computational tools predict that this variant is not damaging.

Ambry Genetics
Classification: Uncertain significance for Inborn genetic diseases. Last evaluated: 2020-08-05. Review status: criteria provided, single submitter. Criteria: Ambry Variant Classification Scheme 2023. Collection method: clinical testing. Allele origin: germline.
Comment: The p.A874T variant (also known as c.2620G>A), located in coding exon 4 of the PRX gene, results from a G to A substitution at nucleotide position 2620. The alanine at codon 874 is replaced by threonine, an amino acid with similar properties. This amino acid position is not well conserved in available vertebrate species, and threonine is the reference amino acid in other vertebrate species. In addition, this alteration is predicted to be tolerated by in silico analysis. Since supporting evidence is limited at this time, the clinical significance of this alteration remains unclear.

CeGaT Center for Human Genetics Tuebingen
Classification: Uncertain significance. Last evaluated: 2018-04-01. Review status: criteria provided, single submitter. Criteria: CeGaT Center For Human Genetics Tuebingen Variant Classification Criteria Version 2. Collection method: clinical testing. Allele origin: germline. Affected: yes. Observed: 1 variant allele.

Illumina Laboratory Services, Illumina
Classification: Uncertain significance for Charcot-Marie-Tooth disease type 4F. Last evaluated: 2018-01-12. Review status: criteria provided, single submitter. Criteria: ICSL Variant Classification Criteria 13 December 2019. Collection method: clinical testing. Allele origin: germline.

NM_181882.3(PRX):c.2620G>A (p.Ala874Thr)

Gene: PRX (periaxin; minus strand). Cytogenetic location: 19q13.2.
Variant type: single nucleotide variant.
Coding change: c.2620G>A on transcript NM_181882.3 (MANE Select); coding-DNA position 2620, G replaced by A.
Protein change: p.Ala874Thr; replaces alanine 874 with threonine.
Molecular consequence: missense variant. On other transcripts: 3 prime UTR variant (1).
Genome position (GRCh38, 1-based): chr19:40,395,732, C>T on the plus strand (G>A on the coding strand, the complement: PRX is on the minus strand). VCF-style: chr19-40395732-C-T. GRCh37 (hg19) VCF-style: chr19-40901639-C-T.
Other names: c.*2825G>A (NM_020956.2); short protein forms A874T.
Identifiers: ClinVar variation 329265 (VCV000329265.59), dbSNP rs145790961, ClinGen allele CA9444015.